The following is an entry in ClinVar:

NM_000051.4(ATM):c.2251-15T>A

Gene: ATM (ATM serine/threonine kinase; plus strand). Cytogenetic location: 11q22.3.
Variant type: single nucleotide variant.
Coding change: c.2251-15T>A on transcript NM_000051.4 (MANE Select); 15 bases into the intron before coding-DNA position 2251, T replaced by A.
Molecular consequence: intron variant.
Genome position (GRCh38, 1-based): chr11:108,257,466, T>A. VCF-style: chr11-108257466-T-A. GRCh37 (hg19) VCF-style: chr11-108128193-T-A.
Other names: c.2251-15T>A (NM_001351834.2).
Identifiers: ClinVar variation 920393 (VCV000920393.5), dbSNP rs1565396892, ClinGen allele CA913188481.
Genomic context (GRCh38, chr11:108,257,466, plus strand): 5'-CAAAGTACACTGTAAAAAGCAATACTAAACTATAATTTTAACTGGAATTTGCATTTTTCC[T>A]TCTATTCACAATAGTCTCTAATGCAATGTGCAGGAGAAAGTATCACTCTGTTTAAAAATA-3'

ClinVar aggregate classification (germline): Uncertain significance. Review status: criteria provided, multiple submitters, no conflicts (2 of 4 stars). 2 submissions from 2 submitters: Uncertain significance (2). Last evaluated 2024-01-17.

Conditions:
Hereditary cancer-predisposing syndrome. Also called: Hereditary Cancer Syndrome; Hereditary neoplastic syndrome; Neoplastic Syndromes, Hereditary; Tumor predisposition. Identifiers: Orphanet 140162, MedGen C0027672, MeSH D009386, MONDO:0015356.
Ataxia-telangiectasia syndrome (AT). Also called: Ataxia-telangiectasia, complementation group E; LOUIS-BAR SYNDROME; Cerebello-oculocutaneous telangiectasia; Immunodeficiency with ataxia telangiectasia; Ataxia-telangiectasia, complementation group D; AT, COMPLEMENTATION GROUP C. Identifiers: Orphanet 100, MedGen C0004135, MONDO:0008840, OMIM 208900.

Submissions (2):

Labcorp Genetics (formerly Invitae), Labcorp
Classification: Uncertain significance for Ataxia-telangiectasia syndrome. Last evaluated: 2024-01-17. Review status: criteria provided, single submitter. Criteria: Invitae Variant Classification Sherloc (09022015). Collection method: clinical testing. Allele origin: germline.
Comment: This sequence change falls in intron 14 of the ATM gene. It does not directly change the encoded amino acid sequence of the ATM protein. This variant is not present in population databases (gnomAD no frequency). This variant has not been reported in the literature in individuals affected with ATM-related conditions. ClinVar contains an entry for this variant (Variation ID: 920393). Algorithms developed to predict the effect of sequence changes on RNA splicing suggest that this variant may disrupt the consensus splice site. In summary, the available evidence is currently insufficient to determine the role of this variant in disease. Therefore, it has been classified as a Variant of Uncertain Significance.

Color Diagnostics, LLC DBA Color Health
Classification: Uncertain significance for Hereditary cancer-predisposing syndrome. Last evaluated: 2018-10-19. Review status: criteria provided, single submitter. Criteria: ACMG Guidelines, 2015. Collection method: clinical testing. Allele origin: germline.